The following is an entry in ClinVar:

ClinVar aggregate classification (germline): Pathogenic (1 of 4 stars; one submission).

Submission:

Labcorp Genetics (formerly Invitae), Labcorp
Classification: Pathogenic. Last evaluated: 2025-05-01. Review status: criteria provided, single submitter. Criteria: Invitae Variant Classification Sherloc (09022015). Collection method: clinical testing. Allele origin: germline.
Comment: This sequence change creates a premature translational stop signal (p.Thr57Profs*23) in the TRAIP gene. It is expected to result in an absent or disrupted protein product. Loss-of-function variants in TRAIP are known to be pathogenic (PMID: 26595769, 31974414). This variant is not present in population databases (gnomAD no frequency). This variant has not been reported in the literature in individuals affected with TRAIP-related conditions. ClinVar contains an entry for this variant (Variation ID: 2989649). For these reasons, this variant has been classified as Pathogenic.

Literature cited by the submitters: PubMed 26595769; PubMed 31974414.

NM_005879.3(TRAIP):c.169del (p.Thr57fs)

Gene: TRAIP (TRAF interacting protein; minus strand). Cytogenetic location: 3p21.31.
Variant type: Deletion.
Coding change: c.169del on transcript NM_005879.3 (MANE Select); coding-DNA position 169, one base deleted (A; older notation c.169delA).
Protein change: p.Thr57fs; shifts the reading frame from threonine 57.
Molecular consequence: frameshift variant.
Genome position (GRCh38, 1-based): chr3:49,847,596, T deleted on the plus strand (A on the coding strand, the reverse complement: TRAIP is on the minus strand); the first of 2 consecutive T bases (chr3:49,847,596-49,847,597); deleting either gives the same sequence. VCF-style (leftmost placement, unchanged base first): chr3-49847595-GT-G. GRCh37 (hg19) VCF-style: chr3-49885028-GT-G.
Other names: short protein forms T57fs.
Identifiers: ClinVar variation 2989649 (VCV002989649.3), dbSNP rs1298999570, ClinGen allele CA542831949.